The following is an entry in ClinVar:

ClinVar aggregate classification (germline): Uncertain significance. Review status: criteria provided, multiple submitters, no conflicts (2 of 4 stars). 2 submissions from 2 submitters: Uncertain significance (2). Last evaluated 2025-01-11.

Conditions:
Cardiovascular phenotype. Identifiers: MedGen CN230736.

Allele frequency attached by ClinVar (database versions not stated): gnomAD exomes below 0.00001.
gnomAD v4.1: 3 of 1,608,632 alleles (0.00019%); highest among the groups gnomAD compares: Non-Finnish European, 0.00026%; no homozygotes.

Submissions (2):

Ambry Genetics
Classification: Uncertain significance for Cardiovascular phenotype. Last evaluated: 2025-01-11. Review status: criteria provided, single submitter. Criteria: Ambry Variant Classification Scheme 2023. Collection method: clinical testing. Allele origin: germline.
Comment: The p.E672G variant (also known as c.2015A>G), located in coding exon 12 of the NEXN gene, results from an A to G substitution at nucleotide position 2015. The glutamic acid at codon 672 is replaced by glycine, an amino acid with similar properties. This amino acid position is conserved. In addition, the in silico prediction for this alteration is inconclusive. Based on the available evidence, the clinical significance of this variant remains unclear.

Laboratory for Molecular Medicine, Mass General Brigham Personalized Medicine
Classification: Uncertain significance. Last evaluated: 2015-08-17. Review status: criteria provided, single submitter. Criteria: LMM Criteria. Collection method: clinical testing. Allele origin: germline. Observed: 1 variant allele.
Comment: The p.Glu672Gly variant in NEXN has not been previously reported in individuals with cardiomyopathy or in large population studies. Computational prediction too ls and conservation analysis suggest that this variant may impact the protein, t hough this information is not predictive enough to determine pathogenicity. In s ummary, the clinical significance of the p.Glu672Gly variant is uncertain.

NM_144573.4(NEXN):c.2015A>G (p.Glu672Gly)

Gene: NEXN (nexilin F-actin binding protein; plus strand). Cytogenetic location: 1p31.1.
Variant type: single nucleotide variant.
Coding change: c.2015A>G on transcript NM_144573.4 (MANE Select); coding-DNA position 2015, A replaced by G.
Protein change: p.Glu672Gly; replaces glutamic acid 672 with glycine.
Molecular consequence: missense variant.
Genome position (GRCh38, 1-based): chr1:77,942,816, A>G. VCF-style: chr1-77942816-A-G. GRCh37 (hg19) VCF-style: chr1-78408501-A-G.
Other names: c.1823A>G, p.Glu608Gly (NM_001172309.2); short protein forms E672G, E608G.
Identifiers: ClinVar variation 229057 (VCV000229057.6), dbSNP rs876657930, ClinGen allele CA10576436.
Genomic context (GRCh38, chr1:77,942,816, plus strand): 5'-ATATGTGTAAAGCAGTCAACAATAAAGGATCTGCAGCTAGTACCTGTATTCTTACCATTG[A>G]AAGTAAGAATTAATCACTCTTTTTATCTTTTATTCTATTAATTTTTTTTTCCTTAAAATC-3'
Protein context (NP_653174.3, residues 662-675): SAASTCILTI[Glu672Gly]SKN